The following is an entry in ClinVar:

ClinVar aggregate classification (germline): Pathogenic. Review status: criteria provided, multiple submitters, no conflicts (2 of 4 stars). 3 submissions from 3 submitters: Pathogenic (2). 1 of the submissions does not count toward it. Last evaluated 2025-03-16.

Conditions:
Neurofibromatosis, type 1 (NF1). Also called: Neurofibromatosis, type I; NEUROFIBROMATOSIS, TYPE I, SOMATIC; Peripheral type neurofibromatosis; VON RECKLINGHAUSEN DISEASE. Identifiers: Orphanet 636, MedGen C0027831, MONDO:0018975, OMIM 162200. Disease mechanism: loss of function.

Submissions (3):

Labcorp Genetics (formerly Invitae), Labcorp
Classification: Pathogenic for Neurofibromatosis, type 1. Last evaluated: 2025-03-16. Review status: criteria provided, single submitter. Criteria: Invitae Variant Classification Sherloc (09022015). Collection method: clinical testing. Allele origin: germline.
Comment: This sequence change creates a premature translational stop signal (p.Glu1667*) in the NF1 gene. It is expected to result in an absent or disrupted protein product. Loss-of-function variants in NF1 are known to be pathogenic (PMID: 10712197, 23913538). This variant is not present in population databases (gnomAD no frequency). This premature translational stop signal has been observed in individual(s) with neurofibromatosis type I (PMID: 16835897). ClinVar contains an entry for this variant (Variation ID: 431652). For these reasons, this variant has been classified as Pathogenic.

Greenwood Genetic Center Diagnostic Laboratories, Greenwood Genetic Center
Classification: Pathogenic for Neurofibromatosis, type 1. Last evaluated: 2021-11-23. Review status: criteria provided, single submitter. Criteria: ACMG Guidelines, 2015. Collection method: clinical testing. Allele origin: germline. Affected: yes.
Comment: PVS1, PS4_Supporting, PM2

Medical Genetics, University of Parma
Classification: Pathogenic for Neurofibromatosis type 1. Last evaluated: 2017-02-02. Review status: no assertion criteria provided. Collection method: clinical testing. Allele origin: germline. Affected: yes. Not counted in ClinVar's aggregate classification.

Literature cited by the submitters: PubMed 10712197 (cited by Labcorp Genetics (formerly Invitae), Labcorp); PubMed 23913538 (cited by Labcorp Genetics (formerly Invitae), Labcorp); PubMed 16835897 (cited by Labcorp Genetics (formerly Invitae), Labcorp).

NM_001042492.3(NF1):c.5062G>T (p.Glu1688Ter)

Gene: NF1 (neurofibromin 1; plus strand). Cytogenetic location: 17q11.2.
Variant type: single nucleotide variant.
Coding change: c.5062G>T on transcript NM_001042492.3 (MANE Select); coding-DNA position 5062, G replaced by T.
Protein change: p.Glu1688Ter; replaces glutamic acid 1688 with a stop codon.
Molecular consequence: nonsense.
Genome position (GRCh38, 1-based): chr17:31,326,046, G>T. VCF-style: chr17-31326046-G-T. GRCh37 (hg19) VCF-style: chr17-29653064-G-T.
Other names: c.4999G>T, p.Glu1667Ter (NM_000267.4); short protein forms E1667*, E1688*.
Identifiers: ClinVar variation 431652 (VCV000431652.9), dbSNP rs1135402869, ClinGen allele CA399007427.